The following is an entry in ClinVar:

ClinVar aggregate classification (germline): Likely benign (0 of 4 stars; one submission).

Conditions:
MYH11-related disorder. Also called: MYH11-related condition.

Allele frequency attached by ClinVar (database versions not stated): gnomAD exomes below 0.00001; TOPMed 0.00002.
gnomAD v4.1: 2 of 1,613,780 alleles (0.00012%); highest among the groups gnomAD compares: African/African-American, 0.0013%; no homozygotes.

Submission:

PreventionGenetics, part of Exact Sciences
Classification: Likely benign for MYH11-related condition. Last evaluated: 2021-12-10. Review status: no assertion criteria provided. Collection method: clinical testing. Allele origin: germline.
Comment: This variant is classified as likely benign based on ACMG/AMP sequence variant interpretation guidelines (Richards et al. 2015 PMID: 25741868, with internal and published modifications).

NM_002474.3(MYH11):c.5679C>T (p.Ser1893=)

Genes: MYH11 (myosin heavy chain 11; minus strand), NDE1 (nudE neurodevelopment protein 1; plus strand). Cytogenetic location: 16p13.11.
Variant type: single nucleotide variant.
Coding change: c.5679C>T on transcript NM_002474.3 (MANE Select); coding-DNA position 5679, C replaced by T.
Protein change: p.Ser1893=; no amino-acid change (serine 1893 retained).
Molecular consequence: synonymous variant. On other transcripts: intron variant (2).
Genome position (GRCh38, 1-based): chr16:15,715,016, G>A on the plus strand (C>T on the coding strand, the complement: MYH11 is on the minus strand). VCF-style: chr16-15715016-G-A. GRCh37 (hg19) VCF-style: chr16-15808873-G-A.
Other names: c.5700C>T, p.Ser1900= (NM_001040113.2, NM_001040114.2); c.5679C>T, p.Ser1893= (NM_022844.3); c.948-9175G>A (NM_001143979.2, NM_017668.3).
Identifiers: ClinVar variation 3060211 (VCV003060211.2), dbSNP rs1382247634, ClinGen allele CA493746371.